The following is an entry in ClinVar:

ClinVar aggregate classification (germline): Conflicting classifications of pathogenicity. Review status: criteria provided, conflicting classifications (1 of 4 stars). 7 submissions from 7 submitters: Pathogenic (1); Likely pathogenic (2); Uncertain significance (2). 2 of the submissions do not count toward it. Last evaluated 2026-04-17.

Conditions:
Thrombophilia due to activated protein C resistance (THPH2). Also called: APC resistance; PROC COFACTOR DEFICIENCY; THROMBOPHILIA DUE TO DEFICIENCY OF ACTIVATED PROTEIN C COFACTOR; THROMBOPHILIA V; Hereditary Resistance to Activated Protein C; PCCF DEFICIENCY. Identifiers: MedGen C1861171, MONDO:0008560, OMIM 188055. Disease mechanism: gain of function, loss of function.
Congenital factor V deficiency. Also called: Hereditary factor V deficiency disease; LABILE FACTOR DEFICIENCY; OWREN PARAHEMOPHILIA; PARAHEMOPHILIA. Identifiers: Orphanet 326, MedGen C0015499, MONDO:0009210, OMIM 227400.
F5-related disorder. Also called: F5-related condition.

Allele frequency attached by ClinVar (database versions not stated): gnomAD 0.00007 and 0.00008; gnomAD exomes 0.00012 and 0.00023; TOPMed 0.00013; 1000 Genomes Project 30x 0.00016; ExAC 0.00016; 1000 Genomes Project 0.00020.
gnomAD v4.1: 202 of 1,614,068 alleles (0.013%); highest among the groups gnomAD compares: Middle Eastern, 0.18%; 2 homozygotes.

Submissions (7):

PreventionGenetics, part of Exact Sciences
Classification: Uncertain significance for F5-related condition. Last evaluated: 2026-04-17. Review status: criteria provided, single submitter. Criteria: ACMG Guidelines, 2015. Collection method: clinical testing. Allele origin: germline.
Comment: The F5 c.1001G>C variant is predicted to result in the amino acid substitution p.Arg334Thr. The variant, also referred to as FV Cambridge and p.Arg306Thr using legacy nomenclature, has previously been associated with thrombosis with variable penetrance (Williamson et al. 1998. PubMed ID: 9454742). Functional studies indicate the p.Arg334Thr change results in APC resistance and prolonged FV protein half-life (Norstrøm et al. 2002. PubMed ID: 12091344). The risk of thrombosis associated with this variant is unknown but it is suspected to be less than that of factor V Leiden. This variant is reported in 0.054% of alleles in individuals of Latino descent in gnomAD. At this time, the clinical significance of this variant is uncertain due to the absence of conclusive functional and genetic evidence.

Labcorp Genetics (formerly Invitae), Labcorp
Classification: Uncertain significance for Congenital factor V deficiency. Last evaluated: 2025-11-21. Review status: criteria provided, single submitter. Criteria: Invitae Variant Classification Sherloc (09022015). Collection method: clinical testing. Allele origin: germline.
Comment: This sequence change replaces arginine, which is basic and polar, with threonine, which is neutral and polar, at codon 334 of the F5 protein (p.Arg334Thr). The frequency data for this variant in the population databases is considered unreliable, as metrics indicate poor data quality at this position in the gnomAD database. This missense change has been observed in individual(s) with bleeding disorder and/or venous thrombosis (PMID: 9454742, 34272389). This variant is also known as Factor V Cambridge, p.Arg306Thr. ClinVar contains an entry for this variant (Variation ID: 644). Invitae Evidence Modeling of protein sequence and biophysical properties (such as structural, functional, and spatial information, amino acid conservation, physicochemical variation, residue mobility, and thermodynamic stability) indicates that this missense variant is expected to disrupt F5 protein function with a positive predictive value of 80%. Experimental studies have shown that this missense change affects F5 function (PMID: 12091344). In summary, the available evidence is currently insufficient to determine the role of this variant in disease. Therefore, it has been classified as a Variant of Uncertain Significance.

First Genomix Gene Laboratory, Genetic Diagnostics Department
Classification: Likely pathogenic for Congenital factor V deficiency; Thrombophilia due to activated protein C resistance. Last evaluated: 2025-08-05. Review status: criteria provided, single submitter. Criteria: ACMG Guidelines, 2015. Collection method: clinical testing. Allele origin: germline. Inheritance: Autosomal recessive inheritance. Affected: no. Observed: 1 variant allele.

3billion
Classification: Likely pathogenic for Thrombophilia due to activated protein C resistance. Last evaluated: 2024-12-09. Review status: criteria provided, single submitter. Criteria: ACMG Guidelines, 2015. Collection method: clinical testing. Allele origin: germline. Affected: yes.
Comment: The variant is observed in the gnomAD v4.1.0 dataset (total allele frequency: 0.013%). Predicted Consequence/Location: Missense variant. The majority of the known disease-causing variants of this gene are variants expected to result in premature termination of the protein. In silico tool predictions suggest damaging effect of the variant on gene or gene product [REVEL: 0.66 (>=0.6, sensitivity 0.68 and specificity 0.92)]. The same nucleotide change resulting in the same amino acid change has been previously reported as pathogenic/likely pathogenic with strong evidence (ClinVar ID: VCV000000644 /PMID: 9454742). A different missense change at the same codon (p.Arg334Gly) has been reported to be associated with F5-related disorder (ClinVar ID: VCV000000643 /PMID: 9454741). Therefore, this variant is classified as Likely pathogenic according to the recommendation of ACMG/AMP guideline.

Breakthrough Genomics
Classification: Pathogenic for Thrombophilia due to activated protein C resistance. Last evaluated: 2021-04-16. Review status: criteria provided, single submitter. Criteria: ACMG Guidelines, 2015. Collection method: clinical testing. Allele origin: germline. Affected: yes.
Comment: It was not found in 600 other individuals presenting with thromboembolism or in a population of normal blood donors, suggesting that it is a rare factor V variant [PMID: 9454742]. This variant was previously represented as either p.R306T/Arg306Thr or F5 Cambridge in the cited articles. Another missense substitution affecting this residue p. Arg334Gly (referred as Arg306Gly FV Hong Kong) was previously identified in 2 thrombotic patients and 1 nonthrombotic subject of Chinese origin [PMID: 9454741]. Previously this variant was reported to affect the cleavage site responsible for the complete loss of F5 procoagulant activity suggesting its possible contribution to APC resistance [PMID: 30630204, 7989361]. However, invitro recombinant cells harboring this variant revealed intermediate APC resistance patterns between those of wild type factor V and other well-known F5 Leiden (Arg506) variant, suggesting low thrombotic risk association [PMID:12091344].

OMIM
Classification: Pathogenic for THROMBOPHILIA DUE TO ACTIVATED PROTEIN C RESISTANCE. Last evaluated: 1998-02-15. Review status: no assertion criteria provided. Collection method: literature only. Allele origin: germline. Not counted in ClinVar's aggregate classification.

GeneReviews
No classification provided. Condition: Thrombophilia due to activated protein C resistance. Review status: no classification provided. Collection method: literature only. Allele origin: germline. Not counted in ClinVar's aggregate classification.

Literature cited by the submitters: PubMed 9454742 (cited by 3 submitters); PubMed 34272389 (cited by Labcorp Genetics (formerly Invitae), Labcorp); PubMed 12091344 (cited by Labcorp Genetics (formerly Invitae), Labcorp); PubMed 9454741 (cited by 3billion); NCBI Bookshelf NBK1368 (cited by GeneReviews).

NM_000130.5(F5):c.1001G>C (p.Arg334Thr)

Gene: F5 (coagulation factor V; minus strand). Cytogenetic location: 1q24.2.
Variant type: single nucleotide variant.
Coding change: c.1001G>C on transcript NM_000130.5 (MANE Select); coding-DNA position 1001, G replaced by C.
Protein change: p.Arg334Thr; replaces arginine 334 with threonine.
Molecular consequence: missense variant.
Genome position (GRCh38, 1-based): chr1:169,555,299, C>G on the plus strand (G>C on the coding strand, the complement: F5 is on the minus strand). VCF-style: chr1-169555299-C-G. GRCh37 (hg19) VCF-style: chr1-169524537-C-G.
Other names: F5, ARG306THR; R306T; Factor V Cambridge; short protein forms R334T.
Identifiers: ClinVar variation 644 (VCV000000644.10), dbSNP rs118203906, ClinGen allele CA251546.
Genomic context (GRCh38, chr1:169,555,299, plus strand): 5'-ATGAAGTATTCCCACCTCTTCATGTGCCGCCTCTGCTCACGAGTTATTTTCTTAAGATTC[C>G]TGGTTTTCTTTGGGCAGTTTTTAATGTCAATGTAAGCCTGCATCCCAGCTGAGTTAGGAC-3'
Protein context (NP_000121.2, residues 324-344): IDIKNCPKKT[Arg334Thr]NLKKITREQR